The following is an entry in ClinVar:

NM_006662.3(SRCAP):c.2155C>G (p.His719Asp)

Gene: SRCAP (Snf2 related CREBBP activator protein; plus strand). Cytogenetic location: 16p11.2.
Variant type: single nucleotide variant.
Coding change: c.2155C>G on transcript NM_006662.3 (MANE Select); coding-DNA position 2155, C replaced by G.
Protein change: p.His719Asp; replaces histidine 719 with aspartic acid.
Molecular consequence: missense variant.
Genome position (GRCh38, 1-based): chr16:30,713,232, C>G. VCF-style: chr16-30713232-C-G. GRCh37 (hg19) VCF-style: chr16-30724553-C-G.
Other names: short protein forms H719D.
Identifiers: ClinVar variation 3776449 (VCV003776449.1).

ClinVar aggregate classification (germline): Uncertain significance (1 of 4 stars; one submission).

Submission:

GeneDx
Classification: Uncertain significance. Last evaluated: 2024-09-26. Review status: criteria provided, single submitter. Criteria: GeneDx Variant Classification Process June 2021. Collection method: clinical testing. Allele origin: germline. Affected: yes.
Comment: Not observed at significant frequency in large population cohorts (gnomAD); In silico analysis supports that this missense variant has a deleterious effect on protein structure/function; Has not been previously published as pathogenic or benign to our knowledge